The following is an entry in ClinVar:

NM_014714.4(IFT140):c.2543G>A (p.Arg848His)

Gene: IFT140 (intraflagellar transport 140; minus strand). Cytogenetic location: 16p13.3.
Variant type: single nucleotide variant.
Coding change: c.2543G>A on transcript NM_014714.4 (MANE Select); coding-DNA position 2543, G replaced by A.
Protein change: p.Arg848His; replaces arginine 848 with histidine.
Molecular consequence: missense variant.
Genome position (GRCh38, 1-based): chr16:1,526,653, C>T on the plus strand (G>A on the coding strand, the complement: IFT140 is on the minus strand). VCF-style: chr16-1526653-C-T. GRCh37 (hg19) VCF-style: chr16-1576654-C-T.
Other names: short protein forms R848H.
Identifiers: ClinVar variation 857166 (VCV000857166.7), dbSNP rs746743309, ClinGen allele CA7813592.

ClinVar aggregate classification (germline): Uncertain significance. Review status: criteria provided, multiple submitters, no conflicts (2 of 4 stars). 4 submissions from 4 submitters: Uncertain significance (4). Last evaluated 2024-11-06.

Conditions:
Saldino-Mainzer syndrome (SRTD9). Also called: Renal dysplasia, retinal pigmentary dystrophy, cerebellar ataxia and skeletal dysplasia; SHORT-RIB THORACIC DYSPLASIA 9 WITHOUT POLYDACTYLY; short-rib thoracic dysplasia 9 with or without polydactyly; CONORENAL SYNDROME. Identifiers: Orphanet 140969, MedGen C1849437, MONDO:0009964, OMIM 266920.
Retinitis pigmentosa 80 (RP80). Identifiers: MedGen C4540439, MONDO:0054708, OMIM 617781.
Inborn genetic diseases. Identifiers: MedGen C0950123, MeSH D030342.

Allele frequency attached by ClinVar (database versions not stated): TOPMed 0.00006; gnomAD 0.00008; ExAC 0.00014.
gnomAD v4.1: 215 of 1,580,124 alleles (0.014%); highest among the groups gnomAD compares: Non-Finnish European, 0.018%; no homozygotes.

Submissions (4):

Blueprint Genetics
Classification: Uncertain significance. Last evaluated: 2024-11-06. Review status: criteria provided, single submitter. Criteria: ACMG Guidelines, 2015. Collection method: clinical testing. Allele origin: germline.

Fulgent Genetics
Classification: Uncertain significance for Saldino-Mainzer syndrome; Retinitis pigmentosa 80. Last evaluated: 2024-04-04. Review status: criteria provided, single submitter. Criteria: ACMG Guidelines, 2015. Collection method: clinical testing. Allele origin: germline.

Ambry Genetics
Classification: Uncertain significance for Inborn genetic diseases. Last evaluated: 2024-01-23. Review status: criteria provided, single submitter. Criteria: Ambry Variant Classification Scheme 2023. Collection method: clinical testing. Allele origin: germline.

Labcorp Genetics (formerly Invitae), Labcorp
Classification: Uncertain significance for Saldino-Mainzer syndrome. Last evaluated: 2022-08-09. Review status: criteria provided, single submitter. Criteria: Invitae Variant Classification Sherloc (09022015). Collection method: clinical testing. Allele origin: germline.
Comment: This sequence change replaces arginine, which is basic and polar, with histidine, which is basic and polar, at codon 848 of the IFT140 protein (p.Arg848His). The frequency data for this variant in the population databases is considered unreliable, as metrics indicate poor data quality at this position in the gnomAD database. This variant has not been reported in the literature in individuals affected with IFT140-related conditions. ClinVar contains an entry for this variant (Variation ID: 857166). Algorithms developed to predict the effect of missense changes on protein structure and function output the following: SIFT: "Deleterious"; PolyPhen-2: "Benign"; Align-GVGD: "Class C0". The histidine amino acid residue is found in multiple mammalian species, which suggests that this missense change does not adversely affect protein function. In summary, the available evidence is currently insufficient to determine the role of this variant in disease. Therefore, it has been classified as a Variant of Uncertain Significance.